The following is an entry in ClinVar:

ClinVar aggregate classification (germline): Conflicting classifications of pathogenicity. Review status: criteria provided, conflicting classifications (1 of 4 stars). 8 submissions from 8 submitters: Pathogenic (1); Uncertain significance (6). 1 of the submissions does not count toward it. Last evaluated 2026-05-05.

Conditions:
Idiopathic transverse myelitis. Identifiers: MedGen C1719404.
VPS37A-related disorder. Also called: VPS37A-related condition.
Hereditary spastic paraplegia 53. Also called: Spastic paraplegia 53, autosomal recessive. Identifiers: Orphanet 319199, MedGen C3539494, MONDO:0013962, OMIM 614898.

Allele frequency attached by ClinVar (database versions not stated): TOPMed 0.00019; gnomAD 0.00029; gnomAD exomes 0.00033; ESP Exome Variant Server 0.00038; ExAC 0.00041.
gnomAD v4.1: 423 of 1,611,140 alleles (0.026%); highest among the groups gnomAD compares: Non-Finnish European, 0.031%; no homozygotes.

Submissions (8):

PreventionGenetics, part of Exact Sciences
Classification: Uncertain significance for VPS37A-related condition. Last evaluated: 2026-05-05. Review status: criteria provided, single submitter. Criteria: ACMG Guidelines, 2015. Collection method: clinical testing. Allele origin: germline.
Comment: The VPS37A c.700C>A variant is predicted to result in the amino acid substitution p.Leu234Ile. This variant was reported the homozygous state in two siblings with idiopathic transverse myelitis (Mealy et al. 2018. PubMed ID: 29473047). This variant is reported in 0.067% of alleles in individuals of European (Non-Finnish) descent in gnomAD. Although we suspect that this variant may be pathogenic, at this time, the clinical significance of this variant is uncertain due to the absence of conclusive functional and genetic evidence.

Labcorp Genetics (formerly Invitae), Labcorp
Classification: Uncertain significance for Hereditary spastic paraplegia 53. Last evaluated: 2025-12-24. Review status: criteria provided, single submitter. Criteria: Invitae Variant Classification Sherloc (09022015). Collection method: clinical testing. Allele origin: germline.
Comment: This sequence change replaces leucine, which is neutral and non-polar, with isoleucine, which is neutral and non-polar, at codon 234 of the VPS37A protein (p.Leu234Ile). This variant is present in population databases (rs150912414, gnomAD 0.07%), and has an allele count higher than expected for a pathogenic variant. This missense change has been observed in individual(s) with idiopathic transverse myelitis (PMID: 29473047). ClinVar contains an entry for this variant (Variation ID: 522587). Invitae Evidence Modeling of protein sequence and biophysical properties (such as structural, functional, and spatial information, amino acid conservation, physicochemical variation, residue mobility, and thermodynamic stability) indicates that this missense variant is not expected to disrupt VPS37A protein function with a negative predictive value of 80%. In summary, the available evidence is currently insufficient to determine the role of this variant in disease. Therefore, it has been classified as a Variant of Uncertain Significance.

Women's Health and Genetics/Laboratory Corporation of America, LabCorp
Classification: Uncertain significance. Last evaluated: 2025-12-24. Review status: criteria provided, single submitter. Criteria: LabCorp Variant Classification Summary - May 2015. Collection method: clinical testing. Allele origin: germline.
Comment: Variant summary: VPS37A c.700C>A (p.Leu234Ile) results in a conservative amino acid change in the encoded protein sequence. Algorithms developed to predict the effect of missense changes on protein structure and function are either unavailable or do not agree on the potential impact of this missense change. The variant allele was found at a frequency of 0.00033 in 248302 control chromosomes. This frequency is not significantly higher than estimated for disease-causing variants in VPS37A, allowing no conclusion about variant significance. c.700C>A has been observed in individuals affected with Idiopathic Transverse Myelitis (Mealy_2018) or in an individual with Primary Progressive Multiple Sclerosis (Jia_2018). These reports do not provide unequivocal conclusions about association of the variant with Hereditary Spastic Paraplegia 53. To our knowledge, no experimental evidence demonstrating an impact on protein function has been reported. The following publications have been ascertained in the context of this evaluation (PMID: 29908077, 29473047). ClinVar contains an entry for this variant (Variation ID: 522587). Based on the evidence outlined above, the variant was classified as uncertain significance.

Blueprint Genetics
Classification: Uncertain significance. Last evaluated: 2024-11-26. Review status: criteria provided, single submitter. Criteria: ACMG Guidelines, 2015. Collection method: clinical testing. Allele origin: germline.

Department of Pathology and Laboratory Medicine, Sinai Health System
Classification: Uncertain significance for Hereditary spastic paraplegia 53. Last evaluated: 2022-06-28. Review status: criteria provided, single submitter. Criteria: ACMG Guidelines, 2015. Collection method: research. Allele origin: germline.

Baylor Genetics
Classification: Uncertain significance for Hereditary spastic paraplegia 53. Last evaluated: 2021-10-07. Review status: criteria provided, single submitter. Criteria: ACMG Guidelines, 2015. Collection method: clinical testing. Allele origin: unknown.

Baylor-Hopkins Center for Mendelian Genomics, Johns Hopkins University School of Medicine
Classification: Pathogenic for Idiopathic transverse myelitis. Review status: criteria provided, single submitter. Criteria: ACMG Guidelines, 2015. Collection method: research. Allele origin: germline. Inheritance: Autosomal recessive inheritance. Affected: yes. Observed: 1 variant allele, 1 homozygote.

OMIM
Classification: Uncertain significance for VARIANT OF UNKNOWN SIGNIFICANCE. Last evaluated: 2021-06-30. Review status: no assertion criteria provided. Collection method: literature only. Allele origin: germline. Not counted in ClinVar's aggregate classification.

Literature cited by the submitters: PubMed 29473047 (cited by 3 submitters); PubMed 29908077 (cited by Women's Health and Genetics/Laboratory Corporation of America, LabCorp).

NM_152415.3(VPS37A):c.700C>A (p.Leu234Ile)

Gene: VPS37A (VPS37A subunit of ESCRT-I; plus strand). Cytogenetic location: 8p22.
Variant type: single nucleotide variant.
Coding change: c.700C>A on transcript NM_152415.3 (MANE Select); coding-DNA position 700, C replaced by A.
Protein change: p.Leu234Ile; replaces leucine 234 with isoleucine.
Molecular consequence: missense variant.
Genome position (GRCh38, 1-based): chr8:17,276,454, C>A. VCF-style: chr8-17276454-C-A. GRCh37 (hg19) VCF-style: chr8-17133963-C-A.
Other names: VPS37A, LEU234ILE (rs150912414); c.625C>A, p.Leu209Ile (NM_001145152.2); c.700C>A, p.Leu234Ile (NM_001363167.1, NM_001363173.2); c.430C>A, p.Leu144Ile (NM_001363168.1, NM_001363169.1, NM_001363170.1 and 2 more transcripts); short protein forms L234I, L144I, L209I.
Identifiers: ClinVar variation 522587 (VCV000522587.14), dbSNP rs150912414, ClinGen allele CA4643409.